The following is an entry in ClinVar:

ClinVar aggregate classification (germline): Uncertain significance (1 of 4 stars; one submission).

gnomAD v4.1: 1 of 1,596,894 alleles (0.000063%); highest among the groups gnomAD compares: Non-Finnish European, 0.000085%; no homozygotes.

Submission:

GeneDx
Classification: Uncertain significance. Last evaluated: 2023-07-31. Review status: criteria provided, single submitter. Criteria: GeneDx Variant Classification Process June 2021. Collection method: clinical testing. Allele origin: germline. Affected: yes.
Comment: Not observed at significant frequency in large population cohorts (gnomAD); In silico analysis supports that this missense variant does not alter protein structure/function; Has not been previously published as pathogenic or benign to our knowledge

NM_001365999.1(SZT2):c.2083C>A (p.His695Asn)

Gene: SZT2 (SZT2 subunit of KICSTOR complex; plus strand). Cytogenetic location: 1p34.2.
Variant type: single nucleotide variant.
Coding change: c.2083C>A on transcript NM_001365999.1 (MANE Select); coding-DNA position 2083, C replaced by A.
Protein change: p.His695Asn; replaces histidine 695 with asparagine.
Molecular consequence: missense variant.
Genome position (GRCh38, 1-based): chr1:43,423,144, C>A. VCF-style: chr1-43423144-C-A. GRCh37 (hg19) VCF-style: chr1-43888815-C-A.
Other names: c.2083C>A, p.His695Asn (NM_015284.4); short protein forms H695N.
Identifiers: ClinVar variation 3361832 (VCV003361832.1).